The following is an entry in ClinVar:

NM_000088.4(COL1A1):c.3154G>A (p.Gly1052Ser)

Gene: COL1A1 (collagen type I alpha 1 chain; minus strand). Cytogenetic location: 17q21.33.
Variant type: single nucleotide variant.
Coding change: c.3154G>A on transcript NM_000088.4 (MANE Select); coding-DNA position 3154, G replaced by A.
Protein change: p.Gly1052Ser; replaces glycine 1052 with serine.
Molecular consequence: missense variant.
Genome position (GRCh38, 1-based): chr17:50,188,583, C>T on the plus strand (G>A on the coding strand, the complement: COL1A1 is on the minus strand). VCF-style: chr17-50188583-C-T. GRCh37 (hg19) VCF-style: chr17-48265944-C-T.
Other names: short protein forms G1052S.
Identifiers: ClinVar variation 4885997 (VCV004885997.2).

ClinVar aggregate classification (germline): Likely pathogenic (1 of 4 stars; one submission).

Submission:

Dasa
Classification: Likely pathogenic. Last evaluated: 2025-10-13. Review status: criteria provided, single submitter. Criteria: DASA Assertion Criteria. Collection method: clinical testing. Allele origin: germline.
Comment: NM_000088.4(COL1A1):c.3154G>A (p.Gly1052Ser) is a missense variant that results in the substitution of glycine with serine. The affected residue or protein region has prior evidence supporting clinical relevance. This variant is absent from population databases. Computational evidence supports a deleterious effect. Based on the currently available evidence, this variant is classified as likely pathogenic.